The following is an entry in ClinVar:

ClinVar aggregate classification (germline): Uncertain significance (1 of 4 stars; one submission).

Allele frequency attached by ClinVar (database versions not stated): gnomAD exomes below 0.00001; TOPMed 0.00001; ExAC 0.00004.

Submission:

Labcorp Genetics (formerly Invitae), Labcorp
Classification: Uncertain significance. Last evaluated: 2022-07-21. Review status: criteria provided, single submitter. Criteria: Invitae Variant Classification Sherloc (09022015). Collection method: clinical testing. Allele origin: germline.
Comment: This sequence change replaces arginine, which is basic and polar, with tryptophan, which is neutral and slightly polar, at codon 102 of the DGAT1 protein (p.Arg102Trp). The frequency data for this variant in the population databases is considered unreliable, as metrics indicate poor data quality at this position in the gnomAD database. This variant has not been reported in the literature in individuals affected with DGAT1-related conditions. Algorithms developed to predict the effect of missense changes on protein structure and function are either unavailable or do not agree on the potential impact of this missense change (SIFT: "Deleterious"; PolyPhen-2: "Probably Damaging"; Align-GVGD: "Class C0"). In summary, the available evidence is currently insufficient to determine the role of this variant in disease. Therefore, it has been classified as a Variant of Uncertain Significance.

NM_012079.6(DGAT1):c.304C>T (p.Arg102Trp)

Gene: DGAT1 (diacylglycerol O-acyltransferase 1; minus strand). Cytogenetic location: 8q24.3.
Variant type: single nucleotide variant.
Coding change: c.304C>T on transcript NM_012079.6 (MANE Select); coding-DNA position 304, C replaced by T.
Protein change: p.Arg102Trp; replaces arginine 102 with tryptophan.
Molecular consequence: missense variant.
Genome position (GRCh38, 1-based): chr8:144,319,053, G>A on the plus strand (C>T on the coding strand, the complement: DGAT1 is on the minus strand). VCF-style: chr8-144319053-G-A. GRCh37 (hg19) VCF-style: chr8-145542716-G-A.
Other names: short protein forms R102W.
Identifiers: ClinVar variation 1900978 (VCV001900978.2), dbSNP rs782047240, ClinGen allele CA4937097.
Genomic context (GRCh38, chr8:144,319,053, plus strand): 5'-GTGGGGCAGGGGTGGGACCTGGCAAAGGCACTCACTTGATGAGGTTCTCCAGAAATAACC[G>A]GGCATTGCTCAAGATCTGCGAGGGATGGACAGGAGGGTGCAGCCCCTTTAGTCCTGGCCA-3'
Protein context (NP_036211.2, residues 92-112): CVVMLILSNA[Arg102Trp]LFLENLIKYG